The following is an entry in ClinVar:

NM_015559.3(SETBP1):c.1048C>T (p.Pro350Ser)

Gene: SETBP1 (SET binding protein 1; plus strand). Cytogenetic location: 18q12.3.
Variant type: single nucleotide variant.
Coding change: c.1048C>T on transcript NM_015559.3 (MANE Select); coding-DNA position 1048, C replaced by T.
Protein change: p.Pro350Ser; replaces proline 350 with serine.
Molecular consequence: missense variant.
Genome position (GRCh38, 1-based): chr18:44,950,388, C>T. VCF-style: chr18-44950388-C-T. GRCh37 (hg19) VCF-style: chr18-42530353-C-T.
Other names: c.1048C>T, p.Pro350Ser (NM_001379141.1, NM_001379142.1); short protein forms P350S.
Identifiers: ClinVar variation 1481120 (VCV001481120.6), dbSNP rs142034944, ClinGen allele CA8945539.
Genomic context (GRCh38, chr18:44,950,388, plus strand): 5'-ACGGTGGGCAGCAAGAAAAAGTCCAGTAAAAAAGATGTGATAAGTCAGACCATACCAAAC[C>T]CAGACCTGGATTGGGTCAAGAATGCCCAGAAAGCATTTGACAATACAGAAGGGAAAAGGG-3'
Protein context (NP_056374.2, residues 340-360): KDVISQTIPN[Pro350Ser]DLDWVKNAQK

ClinVar aggregate classification (germline): Uncertain significance (1 of 4 stars; one submission).

Allele frequency attached by ClinVar (database versions not stated): TOPMed below 0.00001; gnomAD 0.00001; gnomAD exomes 0.00001; ExAC 0.00003; ESP Exome Variant Server 0.00008.
gnomAD v4.1: 3 of 1,613,956 alleles (0.00019%); highest among the groups gnomAD compares: Non-Finnish European, 0.00025%; no homozygotes.

Submission:

Labcorp Genetics (formerly Invitae), Labcorp
Classification: Uncertain significance. Last evaluated: 2021-10-21. Review status: criteria provided, single submitter. Criteria: Invitae Variant Classification Sherloc (09022015). Collection method: clinical testing. Allele origin: germline.
Comment: This variant has not been reported in the literature in individuals affected with SETBP1-related conditions. This variant is present in population databases (rs142034944, ExAC 0.005%). This sequence change replaces proline with serine at codon 350 of the SETBP1 protein (p.Pro350Ser). The proline residue is moderately conserved and there is a moderate physicochemical difference between proline and serine. In summary, the available evidence is currently insufficient to determine the role of this variant in disease. Therefore, it has been classified as a Variant of Uncertain Significance. Algorithms developed to predict the effect of missense changes on protein structure and function output the following: SIFT: "Tolerated"; PolyPhen-2: "Benign"; Align-GVGD: "Class C0". The serine amino acid residue is found in multiple mammalian species, which suggests that this missense change does not adversely affect protein function.